The following is an entry in ClinVar:

ClinVar aggregate classification (germline): Pathogenic (1 of 4 stars; one submission).

Conditions:
VPS13A-related neurodegenerative disease. Also called: ACANTHOCYTOSIS WITH NEUROLOGIC DISORDER; LEVINE-CRITCHLEY SYNDROME; Choreoacanthocytosis; Chorea-acanthocytosis; Choreaacanthocytosis; VPS13A Disease. Identifiers: Orphanet 2388, MedGen C0393576, MONDO:0008695, OMIM 200150.

Submission:

Myriad Genetics, Inc.
Classification: Pathogenic for VPS13A-related neurodegenerative disease. Last evaluated: 2026-05-30. Review status: criteria provided, single submitter. Criteria: Myriad Autosomal Dominant, Autosomal Recessive and X-Linked Classification Criteria (2023). Collection method: clinical testing. Allele origin: unknown.
Comment: NM_033305.2(VPS13A):c.8125C>T(Q2709*) is expected to be pathogenic in the context of VPS13A disease. This variant is predicted to lead to an abnormal or absent protein product due to the creation of a premature termination codon in VPS13A, a gene where loss-of-function variants are known to be pathogenic. Please note: this variant was assessed in the context of healthy population screening.

NM_033305.3(VPS13A):c.8125C>T (p.Gln2709Ter)

Gene: VPS13A (vacuolar protein sorting 13 homolog A; plus strand). Cytogenetic location: 9q21.2.
Variant type: single nucleotide variant.
Coding change: c.8125C>T on transcript NM_033305.3 (MANE Select); coding-DNA position 8125, C replaced by T.
Protein change: p.Gln2709Ter; replaces glutamine 2709 with a stop codon.
Molecular consequence: nonsense.
Genome position (GRCh38, 1-based): chr9:77,360,555, C>T. VCF-style: chr9-77360555-C-T. GRCh37 (hg19) VCF-style: chr9-79975471-C-T.
Other names: c.8008C>T, p.Gln2670Ter (NM_001018037.2); c.8125C>T, p.Gln2709Ter (NM_001018038.3, NM_015186.4); short protein forms Q2670*, Q2709*.
Identifiers: ClinVar variation 5015978 (VCV005015978.1).
Genomic context (GRCh38, chr9:77,360,555, plus strand): 5'-ATTGATGATTTTTAAAAAATGTTTTCTACTTTGTAATACAGGTATTTCAAAGTATTGATT[C>T]AAGAAATGGATCTCAGGTTAGATCTTGGGTTTATCTATGCTTTAACAGACCTTATGACAG-3'